The following is an entry in ClinVar:

NM_000082.4(ERCC8):c.290T>A (p.Val97Asp)

Genes: ERCC8-AS1 (ERCC8 antisense RNA 1; plus strand), ERCC8 (ERCC excision repair 8, CSA ubiquitin ligase complex subunit; minus strand). Cytogenetic location: 5q12.1.
Variant type: single nucleotide variant.
Coding change: c.290T>A on transcript NM_000082.4 (MANE Select); coding-DNA position 290, T replaced by A.
Protein change: p.Val97Asp; replaces valine 97 with aspartic acid.
Molecular consequence: missense variant. On other transcripts: 5 prime UTR variant (1).
Genome position (GRCh38, 1-based): chr5:60,918,374, A>T on the plus strand (T>A on the coding strand, the complement: ERCC8 is on the minus strand). VCF-style: chr5-60918374-A-T. GRCh37 (hg19) VCF-style: chr5-60214201-A-T.
Other names: c.116T>A, p.Val39Asp (NM_001007233.3); c.290T>A, p.Val97Asp (NM_001007234.3); c.-88T>A (NM_001290285.2); short protein forms V97D, V39D.
Identifiers: ClinVar variation 1956687 (VCV001956687.4), dbSNP rs1218258334, ClinGen allele CA359828060.
Genomic context (GRCh38, chr5:60,918,374, plus strand): 5'-GATGTGAACATGCCAGTGTCATGAGGATACCACTGTACAGTCTCCACACTGTATCTGTGA[A>T]CATCAGGATGATCTCTACAAAACAGCAATCAAAATTTACATTAACTGACTTATGTGAGTT-3'
Protein context (NP_000073.1, residues 87-107): VCSIGRDHPD[Val97Asp]HRYSVETVQW

ClinVar aggregate classification (germline): Uncertain significance (1 of 4 stars; one submission).

Allele frequency attached by ClinVar (database versions not stated): gnomAD exomes below 0.00001; TOPMed below 0.00001.

Submission:

Labcorp Genetics (formerly Invitae), Labcorp
Classification: Uncertain significance. Last evaluated: 2024-10-23. Review status: criteria provided, single submitter. Criteria: Invitae Variant Classification Sherloc (09022015). Collection method: clinical testing. Allele origin: germline.
Comment: This sequence change replaces valine, which is neutral and non-polar, with aspartic acid, which is acidic and polar, at codon 97 of the ERCC8 protein (p.Val97Asp). This variant is present in population databases (no rsID available, gnomAD 0.006%). This variant has not been reported in the literature in individuals affected with ERCC8-related conditions. ClinVar contains an entry for this variant (Variation ID: 1956687). Invitae Evidence Modeling of protein sequence and biophysical properties (such as structural, functional, and spatial information, amino acid conservation, physicochemical variation, residue mobility, and thermodynamic stability) indicates that this missense variant is not expected to disrupt ERCC8 protein function with a negative predictive value of 80%. In summary, the available evidence is currently insufficient to determine the role of this variant in disease. Therefore, it has been classified as a Variant of Uncertain Significance.